The following is an entry in ClinVar:

ClinVar aggregate classification (germline): Conflicting classifications of pathogenicity. Review status: criteria provided, conflicting classifications (1 of 4 stars). 7 submissions from 7 submitters: Uncertain significance (3); Likely benign (4). Last evaluated 2025-12-26.

Conditions:
Autosomal recessive ataxia, Beauce type. Also called: Spinocerebellar ataxia, autosomal recessive 8; ATAXIA, RECESSIVE, OF BEAUCE; SYNE1-Related Autosomal Recessive Cerebellar Ataxia; SYNE1 Deficiency. Identifiers: Orphanet 88644, MedGen C1853116, MONDO:0012549, OMIM 610743.
Emery-Dreifuss muscular dystrophy 4, autosomal dominant (EDMD4). Also called: EMERY-DREIFUSS MUSCULAR DYSTROPHY 4 WITH VARIABLE FEATURES. Identifiers: Orphanet 261, MedGen C2751807, MONDO:0013071, OMIM 612998.
Inborn genetic diseases. Identifiers: MedGen C0950123, MeSH D030342.

Allele frequency attached by ClinVar (database versions not stated): gnomAD exomes 0.00011 and 0.00031; ExAC 0.00041; gnomAD 0.00133 and 0.00137; TOPMed 0.00156; 1000 Genomes Project 30x 0.00172; 1000 Genomes Project 0.00180; ESP Exome Variant Server 0.00185.
gnomAD v4.1: 376 of 1,614,096 alleles (0.023%); highest among the groups gnomAD compares: African/African-American, 0.45%; no homozygotes.

Submissions (7):

Labcorp Genetics (formerly Invitae), Labcorp
Classification: Likely benign for Emery-Dreifuss muscular dystrophy 4, autosomal dominant; Autosomal recessive ataxia, Beauce type. Last evaluated: 2025-12-26. Review status: criteria provided, single submitter. Criteria: Invitae Variant Classification Sherloc (09022015). Collection method: clinical testing. Allele origin: germline.

GeneDx
Classification: Uncertain significance. Last evaluated: 2025-08-13. Review status: criteria provided, single submitter. Criteria: GeneDx Variant Classification Process June 2021. Collection method: clinical testing. Allele origin: germline. Affected: yes.
Comment: In silico analysis supports that this missense variant has a deleterious effect on protein structure/function; Has not been previously published as pathogenic or benign to our knowledge

Revvity Omics, Revvity
Classification: Uncertain significance. Last evaluated: 2025-08-07. Review status: criteria provided, single submitter. Criteria: ACMG Guidelines, 2015. Collection method: clinical testing. Allele origin: germline.

Mayo Clinic Laboratories, Mayo Clinic
Classification: Likely benign. Last evaluated: 2025-04-23. Review status: criteria provided, single submitter. Criteria: ACMG Guidelines, 2015. Collection method: clinical testing. Allele origin: germline. Observed: 2 variant alleles.
Comment: BS1, BP4_moderate

Ambry Genetics
Classification: Uncertain significance for Inborn genetic diseases. Last evaluated: 2021-11-12. Review status: criteria provided, single submitter. Criteria: Ambry Variant Classification Scheme 2023. Collection method: clinical testing. Allele origin: germline.

Athena Diagnostics
Classification: Likely benign. Last evaluated: 2019-06-13. Review status: criteria provided, single submitter. Criteria: Athena Diagnostics Criteria. Collection method: clinical testing. Allele origin: germline.

Eurofins Ntd Llc (ga)
Classification: Likely benign. Last evaluated: 2015-07-07. Review status: criteria provided, single submitter. Criteria: EGL Classification Definitions 2015. Collection method: clinical testing. Allele origin: germline. Observed: 2 variant alleles, 2 heterozygotes.

NM_182961.4(SYNE1):c.20288C>T (p.Ser6763Leu)

Gene: SYNE1 (spectrin repeat containing nuclear envelope protein 1; minus strand). Cytogenetic location: 6q25.2.
Variant type: single nucleotide variant.
Coding change: c.20288C>T on transcript NM_182961.4 (MANE Select); coding-DNA position 20288, C replaced by T.
Protein change: p.Ser6763Leu; replaces serine 6763 with leucine.
Molecular consequence: missense variant.
Genome position (GRCh38, 1-based): chr6:152,236,215, G>A on the plus strand (C>T on the coding strand, the complement: SYNE1 is on the minus strand). VCF-style: chr6-152236215-G-A. GRCh37 (hg19) VCF-style: chr6-152557350-G-A.
Other names: c.20075C>T, p.Ser6692Leu (NM_033071.5); short protein forms S6692L, S6763L.
Identifiers: ClinVar variation 281293 (VCV000281293.32), dbSNP rs115534729, ClinGen allele CA4054456.